The following is an entry in ClinVar:

NM_025114.4(CEP290):c.2217G>T (p.Lys739Asn)

Gene: CEP290 (centrosomal protein 290; minus strand). Cytogenetic location: 12q21.32.
Variant type: single nucleotide variant.
Coding change: c.2217G>T on transcript NM_025114.4 (MANE Select); coding-DNA position 2217, G replaced by T.
Protein change: p.Lys739Asn; replaces lysine 739 with asparagine.
Molecular consequence: missense variant.
Genome position (GRCh38, 1-based): chr12:88,111,694, C>A on the plus strand (G>T on the coding strand, the complement: CEP290 is on the minus strand). VCF-style: chr12-88111694-C-A. GRCh37 (hg19) VCF-style: chr12-88505471-C-A.
Other names: short protein forms K739N.
Identifiers: ClinVar variation 4535760 (VCV004535760.1).

ClinVar aggregate classification (germline): Uncertain significance (1 of 4 stars; one submission).

Submission:

Women's Health and Genetics/Laboratory Corporation of America, LabCorp
Classification: Uncertain significance. Last evaluated: 2025-09-05. Review status: criteria provided, single submitter. Criteria: LabCorp Variant Classification Summary - May 2015. Collection method: clinical testing. Allele origin: germline.
Comment: Variant summary: CEP290 c.2217G>T (p.Lys739Asn) results in a non-conservative amino acid change in the encoded protein sequence. Algorithms developed to predict the effect of missense changes on protein structure and function all suggest that this variant is likely to be disruptive. Several computational tools predict a significant impact on normal splicing: Two predict the variant abolishes a 5' splicing donor site. Two predict the variant weakens a 5' donor site. However, these predictions have yet to be confirmed by functional studies. The variant was absent in 203712 control chromosomes. The available data on variant occurrences in the general population are insufficient to allow any conclusion about variant significance. To our knowledge, no occurrence of c.2217G>T in individuals affected with CEP290-related conditions and no experimental evidence demonstrating its impact on protein function have been reported. No submitters have cited clinical-significance assessments for this variant to ClinVar. Based on the evidence outlined above, the variant was classified as uncertain significance.